The following is an entry in ClinVar:

NM_000138.5(FBN1):c.146G>A (p.Gly49Glu)

Gene: FBN1 (fibrillin 1; minus strand). Cytogenetic location: 15q21.1.
Variant type: single nucleotide variant.
Coding change: c.146G>A on transcript NM_000138.5 (MANE Select); coding-DNA position 146, G replaced by A.
Protein change: p.Gly49Glu; replaces glycine 49 with glutamic acid.
Molecular consequence: missense variant.
Genome position (GRCh38, 1-based): chr15:48,644,624, C>T on the plus strand (G>A on the coding strand, the complement: FBN1 is on the minus strand). VCF-style: chr15-48644624-C-T. GRCh37 (hg19) VCF-style: chr15-48936821-C-T.
Other names: c.146G>A, p.Gly49Glu (NM_001406716.1, NM_001406717.1, NM_001406718.1); short protein forms G49E.
Identifiers: ClinVar variation 2773407 (VCV002773407.2), dbSNP rs1382204819, ClinGen allele CA392453495.

ClinVar aggregate classification (germline): Uncertain significance (1 of 4 stars; one submission).

Conditions:
Familial thoracic aortic aneurysm and aortic dissection (TAAD). Also called: Thoracic aortic aneurysms and dissections. Identifiers: Orphanet 91387, MedGen C4707243, MONDO:0019625.

Allele frequency attached by ClinVar (database versions not stated): gnomAD 0.00001.
gnomAD v4.1: 2 of 1,613,584 alleles (0.00012%); highest among the groups gnomAD compares: African/African-American, 0.0013%; no homozygotes.

Submission:

Color Diagnostics, LLC DBA Color Health
Classification: Uncertain significance for Familial thoracic aortic aneurysm and aortic dissection. Last evaluated: 2023-06-20. Review status: criteria provided, single submitter. Criteria: ACMG Guidelines, 2015. Collection method: clinical testing. Allele origin: germline.
Comment: This missense variant replaces glycine with glutamic acid at codon 49 of the FBN1 protein. Computational prediction suggests that this variant may not impact protein structure and function (internally defined REVEL score threshold <= 0.5, PMID: 27666373). To our knowledge, functional studies have not been reported for this variant. This variant has not been reported in individuals affected with FBN1-related disorders in the literature. This variant has been identified in 2/31302 chromosomes in the general population by the Genome Aggregation Database (gnomAD). The available evidence is insufficient to determine the role of this variant in disease conclusively. Therefore, this variant is classified as a Variant of Uncertain Significance.